The following is an entry in ClinVar:

NM_001854.4(COL11A1):c.4303-2A>G

Gene: COL11A1 (collagen type XI alpha 1 chain; minus strand). Cytogenetic location: 1p21.1.
Variant type: single nucleotide variant.
Coding change: c.4303-2A>G on transcript NM_001854.4 (MANE Select); the canonical splice acceptor site of the intron before coding-DNA position 4303, A replaced by G.
Molecular consequence: splice acceptor variant.
Genome position (GRCh38, 1-based): chr1:102,890,506, T>C on the plus strand (A>G on the coding strand, the complement: COL11A1 is on the minus strand). VCF-style: chr1-102890506-T-C. GRCh37 (hg19) VCF-style: chr1-103356062-T-C.
Other names: c.4186-2A>G (NM_001190709.2); c.4339-2A>G (NM_080629.3); c.3955-2A>G (NM_080630.4).
Identifiers: ClinVar variation 4731327 (VCV004731327.1).

ClinVar aggregate classification (germline): Likely pathogenic (1 of 4 stars; one submission).

Submission:

Labcorp Genetics (formerly Invitae), Labcorp
Classification: Likely pathogenic. Last evaluated: 2025-11-27. Review status: criteria provided, single submitter. Criteria: Invitae Variant Classification Sherloc (09022015). Collection method: clinical testing. Allele origin: germline.
Comment: This sequence change affects an acceptor splice site in intron 57 of the COL11A1 gene. It is expected to disrupt RNA splicing. Variants that disrupt the donor or acceptor splice site typically lead to a loss of protein function (PMID: 16199547), and loss-of-function variants in COL11A1 are known to be pathogenic (PMID: 20513134, 21035103, 23922384, 25240749, 32427345, 32756486). This variant is not present in population databases (gnomAD no frequency). This variant has not been reported in the literature in individuals affected with COL11A1-related conditions. Algorithms developed to predict the effect of sequence changes on RNA splicing suggest that this variant may disrupt the consensus splice site. In summary, the currently available evidence indicates that the variant is pathogenic, but additional data are needed to prove that conclusively. Therefore, this variant has been classified as Likely Pathogenic.

Literature cited by the submitters: PubMed 16199547; PubMed 20513134; PubMed 21035103; PubMed 23922384; PubMed 25240749; PubMed 32427345; PubMed 32756486.